The following is an entry in ClinVar:

NM_016507.4(CDK12):c.3017G>A (p.Ser1006Asn)

Gene: CDK12 (cyclin dependent kinase 12; plus strand). Cytogenetic location: 17q12.
Variant type: single nucleotide variant.
Coding change: c.3017G>A on transcript NM_016507.4 (MANE Select); coding-DNA position 3017, G replaced by A.
Protein change: p.Ser1006Asn; replaces serine 1006 with asparagine.
Molecular consequence: missense variant.
Genome position (GRCh38, 1-based): chr17:39,520,009, G>A. VCF-style: chr17-39520009-G-A. GRCh37 (hg19) VCF-style: chr17-37676262-G-A.
Other names: c.3017G>A, p.Ser1006Asn (NM_015083.4); short protein forms S1006N.
Identifiers: ClinVar variation 2554234 (VCV002554234.3), dbSNP rs923488496, ClinGen allele CA290399139.
Genomic context (GRCh38, chr17:39,520,009, plus strand): 5'-TCCATAGCATTCCTTCTGCAGCACTTGATTTATTGGACCACATGCTGACACTAGATCCTA[G>A]TAAGCGGTGCACAGCTGAACAGACCCTACAGAGCGACTTCCTTAAAGATGTCGAACTCAG-3'
Protein context (NP_057591.2, residues 996-1016): LLDHMLTLDP[Ser1006Asn]KRCTAEQTLQ

ClinVar aggregate classification (germline): Uncertain significance (1 of 4 stars; one submission).

Allele frequency attached by ClinVar (database versions not stated): gnomAD exomes 0.00001; TOPMed 0.00003.
gnomAD v4.1: 3 of 1,614,072 alleles (0.00019%); highest among the groups gnomAD compares: Admixed American, 0.005%; no homozygotes.

Submission:

Ambry Genetics
Classification: Uncertain significance. Last evaluated: 2025-01-30. Review status: criteria provided, single submitter. Criteria: Ambry Variant Classification Scheme 2023. Collection method: clinical testing. Allele origin: germline.
Comment: The p.S1006N variant (also known as c.3017G>A), located in coding exon 11 of the CDK12 gene, results from a G to A substitution at nucleotide position 3017. The serine at codon 1006 is replaced by asparagine, an amino acid with highly similar properties. This amino acid position is conserved. In addition, this alteration is predicted to be tolerated by in silico analysis. Based on the available evidence, the clinical significance of this variant remains unclear.